The following is an entry in ClinVar:

NM_178857.6(RP1L1):c.6545C>A (p.Ala2182Asp)

Gene: RP1L1 (RP1 like 1). Cytogenetic location: 8p23.1.
Variant type: single nucleotide variant.
Coding change: c.6545C>A on transcript NM_178857.6 (MANE Select); coding-DNA position 6545, C replaced by A.
Protein change: p.Ala2182Asp; replaces alanine 2182 with aspartic acid.
Molecular consequence: missense variant.
Genome position (GRCh38, 1-based): chr8:10,607,553, G>T on the plus strand (C>A on the coding strand, the complement: RP1L1 is on the minus strand). VCF-style: chr8-10607553-G-T. GRCh37 (hg19) VCF-style: chr8-10465063-G-T.
Other names: short protein forms A2182D.
Identifiers: ClinVar variation 361220 (VCV000361220.32), dbSNP rs183570817, ClinGen allele CA4623272.
Genomic context (GRCh38, chr8:10,607,553, plus strand): 5'-TCTGCCTCTGGGGCCTCTATACCTTCTGACTCTGGCTGGGCCTCCCCTTCTGCCTCTGGG[G>T]CCTCTACACCTTCTAACTCTGGTTGGGCCTCCTCTTCAGCCTCCTGGGCCTCTATACCTT-3'
Protein context (NP_849188.4, residues 2172-2192): EAQPELEGVE[Ala2182Asp]PEAEGEAQPE

ClinVar aggregate classification (germline): Benign/Likely benign. Review status: criteria provided, multiple submitters, no conflicts (2 of 4 stars). 3 submissions from 3 submitters: Benign (2); Likely benign (1). Last evaluated 2026-06-01.

Conditions:
Occult macular dystrophy (OCMD). Also called: OMD; OCCULT MACULAR DYSTROPHY, SUSCEPTIBILITY TO. Identifiers: Orphanet 247834, MedGen C3150833, MONDO:0013316, OMIM 613587, HP:0030636.

Allele frequency attached by ClinVar (database versions not stated): 1000 Genomes Project 0.00379; 1000 Genomes Project 30x 0.00406; gnomAD 0.00545; ExAC 0.00730; ESP Exome Variant Server 0.00827.
gnomAD v4.1: 13,383 of 1,566,868 alleles (0.85%); highest among the groups gnomAD compares: Middle Eastern, 1.3%; 66 homozygotes.

Submissions (3):

CeGaT Center for Human Genetics Tuebingen
Classification: Likely benign. Last evaluated: 2026-06-01. Review status: criteria provided, single submitter. Criteria: CeGaT Center For Human Genetics Tuebingen Variant Classification Criteria Version 2. Collection method: clinical testing. Allele origin: germline. Affected: yes. Observed: 7 variant alleles.
Comment: RP1L1: BP4, BS2

Illumina Laboratory Services, Illumina
Classification: Benign for Occult macular dystrophy. Last evaluated: 2018-01-12. Review status: criteria provided, single submitter. Criteria: ICSL Variant Classification Criteria 13 December 2019. Collection method: clinical testing. Allele origin: germline.
Comment: This variant was observed in the ICSL laboratory as part of a predisposition screen in an ostensibly healthy population. It had not been previously curated by ICSL or reported in the Human Gene Mutation Database (HGMD: prior to June 1st, 2018), and was therefore a candidate for classification through an automated scoring system. Utilizing variant allele frequency, disease prevalence and penetrance estimates, and inheritance mode, an automated score was calculated to assess if this variant is too frequent to cause the disease. Based on the score and internal cut-off values, a variant classified as benign is not then subjected to further curation. The score for this variant resulted in a classification of benign for this disease.

Breakthrough Genomics
Classification: Benign. Review status: criteria provided, single submitter. Criteria: ACMG Guidelines, 2015. Collection method: not provided. Allele origin: germline. Inheritance: Autosomal recessive inheritance. Affected: yes.